The following is an entry in ClinVar:

ClinVar aggregate classification (germline): Uncertain significance (1 of 4 stars; one submission).

Conditions:
Charcot-Marie-Tooth disease axonal type 2O. Also called: Charcot-Marie-Tooth disease, axonal, type 20; CHARCOT-MARIE-TOOTH NEUROPATHY, AXONAL, TYPE 2O; CHARCOT-MARIE-TOOTH DISEASE, AXONAL, AUTOSOMAL DOMINANT, TYPE 2O; Charcot-Marie-Tooth Neuropathy Type 2O. Identifiers: Orphanet 284232, MedGen C3280220, MONDO:0013644, OMIM 614228.

Submission:

Labcorp Genetics (formerly Invitae), Labcorp
Classification: Uncertain significance for Charcot-Marie-Tooth disease axonal type 2O. Last evaluated: 2024-02-14. Review status: criteria provided, single submitter. Criteria: Invitae Variant Classification Sherloc (09022015). Collection method: clinical testing. Allele origin: germline.
Comment: This sequence change replaces serine, which is neutral and polar, with threonine, which is neutral and polar, at codon 268 of the DYNC1H1 protein (p.Ser268Thr). This variant is not present in population databases (gnomAD no frequency). This variant has not been reported in the literature in individuals affected with DYNC1H1-related conditions. Advanced modeling of protein sequence and biophysical properties (such as structural, functional, and spatial information, amino acid conservation, physicochemical variation, residue mobility, and thermodynamic stability) performed at Invitae indicates that this missense variant is not expected to disrupt DYNC1H1 protein function with a negative predictive value of 95%. In summary, the available evidence is currently insufficient to determine the role of this variant in disease. Therefore, it has been classified as a Variant of Uncertain Significance.

NM_001376.5(DYNC1H1):c.802T>A (p.Ser268Thr)

Gene: DYNC1H1 (dynein cytoplasmic 1 heavy chain 1; plus strand). Cytogenetic location: 14q32.31.
Variant type: single nucleotide variant.
Coding change: c.802T>A on transcript NM_001376.5 (MANE Select); coding-DNA position 802, T replaced by A.
Protein change: p.Ser268Thr; replaces serine 268 with threonine.
Molecular consequence: missense variant.
Genome position (GRCh38, 1-based): chr14:101,980,391, T>A. VCF-style: chr14-101980391-T-A. GRCh37 (hg19) VCF-style: chr14-102446728-T-A.
Other names: short protein forms S268T.
Identifiers: ClinVar variation 3636112 (VCV003636112.2).